The following is an entry in ClinVar:

NM_138713.4(NFAT5):c.2102T>C (p.Ile701Thr)

Gene: NFAT5 (nuclear factor of activated T cells 5; plus strand). Cytogenetic location: 16q22.1.
Variant type: single nucleotide variant.
Coding change: c.2102T>C on transcript NM_138713.4 (MANE Select); coding-DNA position 2102, T replaced by C.
Protein change: p.Ile701Thr; replaces isoleucine 701 with threonine.
Molecular consequence: missense variant.
Genome position (GRCh38, 1-based): chr16:69,691,927, T>C. VCF-style: chr16-69691927-T-C. GRCh37 (hg19) VCF-style: chr16-69725830-T-C.
Other names: c.2099T>C, p.Ile700Thr (NM_001113178.3); c.1427T>C, p.Ile476Thr (NM_001367709.1); c.2048T>C, p.Ile683Thr (NM_006599.4); c.1820T>C, p.Ile607Thr (NM_138714.4, NM_173214.3, NM_173215.3); short protein forms I476T, I607T, I683T, I700T, I701T.
Identifiers: ClinVar variation 4807174 (VCV004807174.1).

ClinVar aggregate classification (germline): Uncertain significance (1 of 4 stars; one submission).

Conditions:
Immunodeficiency. Identifiers: MedGen C0021051, MONDO:0021094, HP:0002721.

Submission:

Labcorp Genetics (formerly Invitae), Labcorp
Classification: Uncertain significance for Immunodeficiency. Last evaluated: 2025-08-31. Review status: criteria provided, single submitter. Criteria: Invitae Variant Classification Sherloc (09022015). Collection method: clinical testing. Allele origin: germline.
Comment: This sequence change replaces isoleucine, which is neutral and non-polar, with threonine, which is neutral and polar, at codon 607 of the NFAT5 protein (p.Ile607Thr). This variant is not present in population databases (gnomAD no frequency). This variant has not been reported in the literature in individuals affected with NFAT5-related conditions. An algorithm developed to predict the effect of missense changes on protein structure and function (PolyPhen-2) suggests that this variant is likely to be disruptive. In summary, the available evidence is currently insufficient to determine the role of this variant in disease. Therefore, it has been classified as a Variant of Uncertain Significance.